The following is an entry in ClinVar:

NM_002294.3(LAMP2):c.1020del (p.Gly341fs)

Gene: LAMP2 (lysosome associated membrane protein 2; minus strand). Cytogenetic location: Xq24.
Variant type: Deletion.
Coding change: c.1020del on transcript NM_002294.3 (MANE Select); coding-DNA position 1020, one base deleted (T; older notation c.1020delT).
Protein change: p.Gly341fs; shifts the reading frame from glycine 341.
Molecular consequence: frameshift variant.
Genome position (GRCh38, 1-based): chrX:120,441,803, A deleted on the plus strand (T on the coding strand, the reverse complement: LAMP2 is on the minus strand). VCF-style (leftmost placement, unchanged base first): chrX-120441802-CA-C. GRCh37 (hg19) VCF-style: chrX-119575657-CA-C.
Other names: c.1020delT (NM_002294.2); c.1020del, p.Gly341fs (NM_001122606.1, NM_013995.2); short protein forms G341fs.
Identifiers: ClinVar variation 178999 (VCV000178999.4), dbSNP rs727504597, ClinGen allele CA183461.

ClinVar aggregate classification (germline): Pathogenic (1 of 4 stars; one submission).

Conditions:
Danon disease. Also called: PSEUDOGLYCOGENOSIS II; Glycogen Storage Disease Type IIb; ANTOPOL DISEASE; GSD IIb; LYSOSOMAL GLYCOGEN STORAGE DISEASE WITHOUT ACID MALTASE DEFICIENCY. Identifiers: Orphanet 34587, MedGen C0878677, MONDO:0010281, OMIM 300257.
Primary dilated cardiomyopathy (DCM). Also called: Dilated Cardiomyopathy. Identifiers: Orphanet 217604, MedGen C0007193, MeSH D002311, MONDO:0005021, HP:0001644. Inheritance: Various modes of inheritance.

Submission:

Laboratory for Molecular Medicine, Mass General Brigham Personalized Medicine
Classification: Pathogenic for Primary dilated cardiomyopathy; Danon disease. Last evaluated: 2013-06-12. Review status: criteria provided, single submitter. Criteria: LMM Criteria. Collection method: clinical testing. Allele origin: germline. Inheritance: X-linked inheritance. Observed: 1 variant allele.
Comment: The Gly341fs variant in LAMP2 has not been reported in individuals with cardiomy opathy and data from large population studies is insufficient to assess its freq uency. This frameshift variant is predicted to alter the protein?s amino acid se quence beginning at position 341 and lead to a premature termination codon 5 ami no acids downstream. This alteration is then predicted to lead to a truncated or absent protein. Loss of function of the LAMP2 gene is an established disease me chanism in Danon disease. In summary, this variant meets our criteria to be clas sified as pathogenic based upon its predicted im pact and established pathogenicity of this type of variant.